The following is an entry in ClinVar:

NM_000059.4(BRCA2):c.6468_6469del (p.Gln2157fs)

Gene: BRCA2 (BRCA2 DNA repair associated; plus strand). Cytogenetic location: 13q13.1.
Variant type: Microsatellite.
Coding change: c.6468_6469del on transcript NM_000059.4 (MANE Select); coding-DNA positions 6468 to 6469, 2 bases deleted (TC; older notation c.6468_6469delTC).
Protein change: p.Gln2157fs; shifts the reading frame from glutamine 2157.
Molecular consequence: frameshift variant.
Genome position (GRCh38, 1-based): chr13:32,340,823-32,340,824, TC deleted; deleting any 2 consecutive bases within chr13:32,340,817-32,340,824 gives the same sequence; the c. name uses the placement nearest the transcript's 3' end. VCF-style (leftmost placement, unchanged base first): chr13-32340816-ATC-A. GRCh37 (hg19) VCF-style: chr13-32914953-ATC-A.
Other names: 6690delTC; 6696_6697delTC; 6696delTC; c.6468_6469delTC (NM_000059.3); short protein forms Q2157fs.
Identifiers: ClinVar variation 38047 (VCV000038047.88), dbSNP rs80359596, ClinGen allele CA024079.
Genomic context (GRCh38, chr13:32,340,816, plus strand): 5'-ATAACTTAAATGTTGAAGGTGGTTCTTCAGAAAATAATCACTCTATTAAAGTTTCTCCAT[ATC>A]TCTCTCAATTTCAACAAGACAAACAACAGTTGGTATTAGGAACCAAAGTGTCACTTGTTG-3'

ClinVar aggregate classification (germline): Pathogenic. Review status: reviewed by expert panel (3 of 4 stars). 30 submissions from 29 submitters: Pathogenic (1). 29 of the submissions do not count toward it. Last evaluated 2016-04-22.

Conditions:
BRCA2-related disorder. Also called: BRCA2-related condition; BRCA2-related disorders. Identifiers: MedGen CN239275.
Pancreatic cancer, susceptibility to, 2. Identifiers: Orphanet 1333, MedGen C3150546, MONDO:0013235, OMIM 613347.
Glioma susceptibility 3 (GLM3). Also called: Glioblastoma 3. Identifiers: Orphanet 182067, Orphanet 360, MedGen C2751641, MONDO:0013093, OMIM 613029.
Familial prostate cancer. Also called: Hereditary Prostate Cancer. Identifiers: MedGen C2931456, MONDO:0700275, OMIM 176807.
Breast-ovarian cancer, familial, susceptibility to, 2 (BROVCA2). Also called: BRCA2 Hereditary Breast and Ovarian Cancer. Identifiers: Orphanet 145, MedGen C2675520, MONDO:0012933, OMIM 612555. Disease mechanism: loss of function.
Fanconi anemia complementation group D1. Also called: BRCA2-Related Fanconi Anemia. Identifiers: Orphanet 319462, MedGen C1838457, MONDO:0011584, OMIM 605724.
Medulloblastoma (MDB). Also called: Medulloblastoma, somatic; MEDULLOBLASTOMA PREDISPOSITION SYNDROME. Identifiers: Orphanet 616, MedGen C0025149, MeSH D008527, MONDO:0007959, OMIM 155255, HP:0002885.
Wilms tumor 1 (WT1). Also called: Wilms tumor, somatic. Identifiers: Orphanet 654, MedGen CN033288, MONDO:0008679, OMIM 194070.
Familial cancer of breast. Also called: BREAST CANCER, FAMILIAL; hereditary breast carcinoma; Hereditary breast cancer. Identifiers: Orphanet 227535, MedGen C0346153, MONDO:0016419, OMIM 114480. Disease mechanism: loss of function.
Colorectal cancer. Also called: Malignant Colorectal Neoplasm; Colorectal cancer, somatic. Identifiers: MedGen C0346629, MONDO:0005575, OMIM 114500.
Gastric cancer. Also called: Malignant tumor of stomach; Stomach cancer. Identifiers: MedGen C0024623, MeSH D013274, MONDO:0001056, OMIM 613659, HP:0012126.
Hereditary cancer-predisposing syndrome. Also called: Neoplastic Syndromes, Hereditary; Tumor predisposition; Hereditary Cancer Syndrome; Hereditary neoplastic syndrome. Identifiers: Orphanet 140162, MedGen C0027672, MeSH D009386, MONDO:0015356.
Hereditary breast ovarian cancer syndrome. Also called: Breast and ovarian cancer; Hereditary breast and ovarian cancer; Hereditary breast and ovarian cancer syndrome (HBOC); Hereditary breast and ovarian cancer syndrome; BRCA1- and BRCA2-Associated Hereditary Breast and Ovarian Cancer; Hereditary breast and/or ovarian cancer syndrome. Identifiers: Orphanet 145, MedGen C0677776, MeSH D061325, MONDO:0003582. Disease mechanism: loss of function.
Ovarian neoplasm. Also called: Ovarian Neoplasms; Ovarian tumor; Neoplasm of ovary. Identifiers: MedGen C0919267, MeSH D010051, MONDO:0021068, HP:0100615.
Breast-ovarian cancer, familial, susceptibility to, 1 (BROVCA1). Also called: BRCA1 Hereditary Breast and Ovarian Cancer; OVARIAN CANCER, SUSCEPTIBILITY TO. Identifiers: Orphanet 145, MedGen C2676676, MONDO:0011450, OMIM 604370. Disease mechanism: loss of function.

Submissions 1 to 7 of 30:

Evidence-based Network for the Interpretation of Germline Mutant Alleles (ENIGMA)
Classification: Pathogenic for Breast-ovarian cancer, familial, susceptibility to, 2. Last evaluated: 2016-04-22. Review status: reviewed by expert panel. Criteria: ENIGMA BRCA1/2 Classification Criteria (2015). Collection method: curation. Allele origin: germline.
Comment: Variant allele predicted to encode a truncated non-functional protein.

PreventionGenetics, part of Exact Sciences
Classification: Pathogenic for BRCA2-related condition. Last evaluated: 2026-05-05. Review status: criteria provided, single submitter. Criteria: ACMG Guidelines, 2015. Collection method: clinical testing. Allele origin: germline. Not counted in ClinVar's aggregate classification.
Comment: The BRCA2 c.6468_6469delTC variant is predicted to result in a frameshift and premature protein termination (p.Gln2157Ilefs*18). This variant (also described as 6696delTC and 6696_6697delTC) has been reported in multiple individuals with hereditary breast/ovarian cancer (Gayther et al. 1997. PubMed ID: 8988179; Marroni et al. 2004. PubMed ID: 15340362; Zheng et al. 2018. PubMed ID: 30130155; Momozawa et al. 2018. PubMed ID: 30287823; Yao et al. 2022. PubMed ID: 35864222). It has also been reported in patients with a history of both breast and pancreatic cancer (Ghiorzo et al. 2012. PubMed ID: 21989927; Doddato et al. 2021. PubMed ID: 34026625). This variant was also observed in two siblings with Fanconi anemia subtype D1 with a second BRCA2 variant of uncertain significance on the opposite allele (in trans) (Radulovic et al. 2023. PubMed ID: 36721989). This variant has not been reported in the gnomAD database, indicating this variant is rare. This variant is interpreted as pathogenic by multiple clinical laboratories in ClinVar, including the ENIGMA expert panel (Variation ID: 38047). Frameshift variants in BRCA2 are expected to be pathogenic. This variant is interpreted as pathogenic.

Labcorp Genetics (formerly Invitae), Labcorp
Classification: Pathogenic for Hereditary breast ovarian cancer syndrome. Last evaluated: 2026-01-26. Review status: criteria provided, single submitter. Criteria: Invitae Variant Classification Sherloc (09022015). Collection method: clinical testing. Allele origin: germline. Not counted in ClinVar's aggregate classification.
Comment: This sequence change creates a premature translational stop signal (p.Gln2157Ilefs*18) in the BRCA2 gene. It is expected to result in an absent or disrupted protein product. Loss-of-function variants in BRCA2 are known to be pathogenic (PMID: 20104584). This variant is not present in population databases (gnomAD no frequency). This premature translational stop signal has been observed in individual(s) with breast, ovarian and uterine cancer (PMID: 8988179, 17513806, 17591842, 21989927, 23096105). This variant is also known as 6690delTC and 6696delTC. ClinVar contains an entry for this variant (Variation ID: 38047). For these reasons, this variant has been classified as Pathogenic.

Dasa
Classification: Pathogenic for Breast-ovarian cancer, familial, susceptibility to, 2. Last evaluated: 2025-08-25. Review status: criteria provided, single submitter. Criteria: DASA Assertion Criteria. Collection method: clinical testing. Allele origin: germline. Not counted in ClinVar's aggregate classification.
Comment: NM_000059.4(BRCA2):c.6468_6469del (p.Gln2157Ilefs*18) is a frameshift variant in BRCA2 predicted to alter the reading frame and introduce a premature termination codon and is predicted to result in an absent or altered protein product. Loss of function is an established disease mechanism for BRCA2 (PMID: 16199546; PMID: 17063271; PMID: 25632310). The affected residue or protein region has prior evidence supporting clinical relevance. Also, this variant is rare in population databases. Based on the currently available evidence, this variant is classified as pathogenic.

KCCC/NGS Laboratory, Kuwait Cancer Control Center
Classification: Pathogenic for Familial cancer of breast. Last evaluated: 2025-07-08. Review status: criteria provided, single submitter. Criteria: ACMG Guidelines, 2015. Collection method: clinical testing. Allele origin: germline. Inheritance: Autosomal dominant inheritance. Affected: yes. Observed: 1 heterozygote. Not counted in ClinVar's aggregate classification.
Comment: the same text as in the submission from Labcorp Genetics (formerly Invitae), Labcorp above.

Quest Diagnostics Nichols Institute San Juan Capistrano
Classification: Pathogenic. Last evaluated: 2025-01-15. Review status: criteria provided, single submitter. Criteria: Quest Diagnostics criteria. Collection method: clinical testing. Allele origin: unknown. Not counted in ClinVar's aggregate classification.
Comment: The BRCA2 c.6468_6469del (p.Gln2157Ilefs*18) variant alters the translational reading frame of the BRCA2 mRNA and causes the premature termination of BRCA2 protein synthesis. This variant has been reported in the published literature in individuals affected with breast and/or ovarian cancer (PMIDs: 36299383 (2022), 36292577 (2022), 33471991 (2021), 30702160 (2019), 30720863 (2019), 31528241 (2019), 30322717 (2018), 8988179 (1997), see also LOVD). This variant has not been reported in large, multi-ethnic general populations (Genome Aggregation Database). Based on the available information, this variant is classified as pathogenic.

Ambry Genetics
Classification: Pathogenic for Hereditary cancer-predisposing syndrome. Last evaluated: 2024-08-16. Review status: criteria provided, single submitter. Criteria: Ambry Variant Classification Scheme 2023. Collection method: clinical testing. Allele origin: germline. Not counted in ClinVar's aggregate classification.
Comment: The c.6468_6469delTC pathogenic mutation, located in coding exon 10 of the BRCA2 gene, results from a deletion of two nucleotides at positions 6468 to 6469, causing a translational frameshift with a predicted alternate stop codon (p.Q2157Ifs*18). This alteration has been reported in multiple individuals and families with breast and/or ovarian cancer, including male breast cancer (Gayther SA et al. Nat. Genet. 1997 Jan;15:103-5; Li SS et al. Hum. Genet. 1999 Mar;104:201-4; Ottini L et al. Breast Cancer Res. 2000 Mar;2:307-10; Moslehi R et al. Am. J. Hum. Genet. 2000 Apr;66:1259-72; Gao Q et al. Hum. Genet. 2000 Aug;107:186-91; Ottini L et al. Cancer Res. 2003 Jan;63:342-7; Veschi S et al. Ann. Oncol. 2007 Jun;18 Suppl 6:vi86-92; Papi L et al. Breast Cancer Res. Treat. 2009 Oct;117:497-504; Ghiorzo P et al. Fam. Cancer 2012 Mar;11:41-7; Vietri MT et al. Clin. Chem. Lab. Med. 2012 Dec;50:2171-80; Kwong A et al. J. Med. Genet. 2016 Jan;53:15-23). Of note, this alteration is also designated as 6696delTC in the published literature. This variant is considered to be rare based on population cohorts in the Genome Aggregation Database (gnomAD). In addition to the clinical data presented in the literature, this alteration is expected to result in loss of function by premature protein truncation or nonsense-mediated mRNA decay. As such, this alteration is interpreted as a disease-causing mutation.